The following is an entry in ClinVar:

ClinVar aggregate classification (germline): Pathogenic (1 of 4 stars; one submission).

Conditions:
Hypertrophic cardiomyopathy. Also called: HYPERTROPHIC MYOCARDIOPATHY. Identifiers: Orphanet 217569, MedGen C0007194, MeSH D002312, MONDO:0005045, HP:0001639.

Submission:

Laboratory for Molecular Medicine, Mass General Brigham Personalized Medicine
Classification: Pathogenic for Hypertrophic cardiomyopathy. Last evaluated: 2011-02-17. Review status: criteria provided, single submitter. Criteria: LMM Criteria. Collection method: clinical testing. Allele origin: germline. Observed: 1 variant allele.
Comment: The Asn1023fs variant has been reported in one individual with a clinical diagno sis of HCM (Brito 2005) where the variant was described as de novo. In addition , this variant is predicted to cause a frameshift, which alters the protein's am ino acid sequence beginning at codon 1023 and leads to a premature stop codon 28 amino acids downstream. This alteration is then predicted to lead to a truncat ed or absent protein. Loss of function is an established mechanism of disease f or the MYBPC3 gene, which makes it highly likely that the Asn1023fs variant is p athogenic.

Literature cited by the submitters: PubMed 16335287.

NM_000256.3(MYBPC3):c.3068dup (p.Asn1023fs)

Gene: MYBPC3 (myosin binding protein C3; minus strand). Cytogenetic location: 11p11.2.
Variant type: Duplication.
Coding change: c.3068dup on transcript NM_000256.3 (MANE Select); coding-DNA position 3068, one base duplicated (A; older notation c.3068dupA).
Protein change: p.Asn1023fs; shifts the reading frame from asparagine 1023.
Molecular consequence: frameshift variant.
Genome position (GRCh38, 1-based): chr11:47,333,679, T duplicated on the plus strand (A on the coding strand, the reverse complement: MYBPC3 is on the minus strand); the first of 2 consecutive T bases (chr11:47,333,679-47,333,680); duplicating either gives the same sequence. VCF-style (leftmost placement, unchanged base first): chr11-47333678-G-GT. GRCh37 (hg19) VCF-style: chr11-47355229-G-GT.
Other names: NM_000256.3:c.3068dupA; p.Asn1023LysfsX28; c.3068_3069insA (NM_000256.3); short protein forms N1023fs.
Identifiers: ClinVar variation 42683 (VCV000042683.4), dbSNP rs397516001, ClinGen allele CA013410.